The following is an entry in ClinVar:

NM_004369.4(COL6A3):c.7100A>G (p.Lys2367Arg)

Gene: COL6A3 (collagen type VI alpha 3 chain; minus strand). Cytogenetic location: 2q37.3.
Variant type: single nucleotide variant.
Coding change: c.7100A>G on transcript NM_004369.4 (MANE Select); coding-DNA position 7100, A replaced by G.
Protein change: p.Lys2367Arg; replaces lysine 2367 with arginine.
Molecular consequence: missense variant.
Genome position (GRCh38, 1-based): chr2:237,345,206, T>C on the plus strand (A>G on the coding strand, the complement: COL6A3 is on the minus strand). VCF-style: chr2-237345206-T-C. GRCh37 (hg19) VCF-style: chr2-238253849-T-C.
Other names: c.5279A>G, p.Lys1760Arg (NM_057166.5); c.6482A>G, p.Lys2161Arg (NM_057167.4); short protein forms K1760R, K2161R, K2367R.
Identifiers: ClinVar variation 1968468 (VCV001968468.5), dbSNP rs1159222091, ClinGen allele CA351205082.
Genomic context (GRCh38, chr2:237,345,206, plus strand): 5'-AGGTTAATGAGTCATTCTGGACACATGCAACTTACATCGATGGAGTCGCCCCTGTTGCCC[T>C]TGGGACCCTGTAAAACCAAGGAACGAAAGGTGAGAGGCACAGCAGATGGGGAATTCGAAT-3'
Protein context (NP_004360.2, residues 2357-2377): DPGYPGPAGP[Lys2367Arg]GNRGDSIDQC

ClinVar aggregate classification (germline): Uncertain significance (1 of 4 stars; one submission).

Conditions:
Bethlem myopathy 1A. Also called: MYOPATHY, BENIGN CONGENITAL, WITH CONTRACTURES; Bethlem myopathy 1; Bethlem Muscular Dystrophy. Identifiers: Orphanet 610, MedGen CN029274, MONDO:0024530, OMIM 158810.

Allele frequency attached by ClinVar (database versions not stated): gnomAD exomes below 0.00001; TOPMed 0.00001.
gnomAD v4.1: 2 of 1,614,122 alleles (0.00012%); highest among the groups gnomAD compares: African/African-American, 0.0013%; no homozygotes.

Submission:

Labcorp Genetics (formerly Invitae), Labcorp
Classification: Uncertain significance for Bethlem myopathy 1A. Last evaluated: 2022-07-19. Review status: criteria provided, single submitter. Criteria: Invitae Variant Classification Sherloc (09022015). Collection method: clinical testing. Allele origin: germline.
Comment: In summary, the available evidence is currently insufficient to determine the role of this variant in disease. Therefore, it has been classified as a Variant of Uncertain Significance. Advanced modeling of protein sequence and biophysical properties (such as structural, functional, and spatial information, amino acid conservation, physicochemical variation, residue mobility, and thermodynamic stability) performed at Invitae indicates that this missense variant is expected to disrupt COL6A3 protein function. This variant has not been reported in the literature in individuals affected with COL6A3-related conditions. This variant is not present in population databases (gnomAD no frequency). This sequence change replaces lysine, which is basic and polar, with arginine, which is basic and polar, at codon 2367 of the COL6A3 protein (p.Lys2367Arg).